The following is an entry in ClinVar:

ClinVar aggregate classification (germline): Uncertain significance. Review status: criteria provided, multiple submitters, no conflicts (2 of 4 stars). 2 submissions from 2 submitters: Uncertain significance (2). Last evaluated 2025-07-14.

Conditions:
Inborn genetic diseases. Identifiers: MedGen C0950123, MeSH D030342.

Allele frequency attached by ClinVar (database versions not stated): TOPMed 0.00002; gnomAD 0.00004; ExAC 0.00006.
gnomAD v4.1: 45 of 1,614,008 alleles (0.0028%); highest among the groups gnomAD compares: South Asian, 0.0044%; no homozygotes.

Submissions (2):

Labcorp Genetics (formerly Invitae), Labcorp
Classification: Uncertain significance. Last evaluated: 2025-07-14. Review status: criteria provided, single submitter. Criteria: Invitae Variant Classification Sherloc (09022015). Collection method: clinical testing. Allele origin: germline.
Comment: This sequence change replaces arginine, which is basic and polar, with tryptophan, which is neutral and slightly polar, at codon 371 of the SKIV2L protein (p.Arg371Trp). This variant is present in population databases (rs560639276, gnomAD 0.007%). This variant has not been reported in the literature in individuals affected with SKIV2L-related conditions. ClinVar contains an entry for this variant (Variation ID: 1903445). An algorithm developed to predict the effect of missense changes on protein structure and function (PolyPhen-2) suggests that this variant is likely to be disruptive. In summary, the available evidence is currently insufficient to determine the role of this variant in disease. Therefore, it has been classified as a Variant of Uncertain Significance.

Ambry Genetics
Classification: Uncertain significance for Inborn genetic diseases. Last evaluated: 2022-05-10. Review status: criteria provided, single submitter. Criteria: Ambry Variant Classification Scheme 2023. Collection method: clinical testing. Allele origin: germline.

NM_006929.5(SKIC2):c.1111C>T (p.Arg371Trp)

Genes: SKIC2 (SKI2 subunit of superkiller complex; plus strand), LOC126859653 (CDK7 strongly-dependent group 2 enhancer GRCh37_chr6:31929542-31930741; plus strand). Cytogenetic location: 6p21.33.
Variant type: single nucleotide variant.
Coding change: c.1111C>T on transcript NM_006929.5 (MANE Select); coding-DNA position 1111, C replaced by T.
Protein change: p.Arg371Trp; replaces arginine 371 with tryptophan.
Molecular consequence: missense variant.
Genome position (GRCh38, 1-based): chr6:31,962,485, C>T. VCF-style: chr6-31962485-C-T. GRCh37 (hg19) VCF-style: chr6-31930262-C-T.
Other names: c.1111C>T (NM_006929.4); short protein forms R371W.
Identifiers: ClinVar variation 1903445 (VCV001903445.5), dbSNP rs560639276, ClinGen allele CA3729356.